The following is an entry in ClinVar:

ClinVar aggregate classification (germline): Uncertain significance. Review status: criteria provided, multiple submitters, no conflicts (2 of 4 stars). 2 submissions from 2 submitters: Uncertain significance (2). Last evaluated 2025-07-07.

Conditions:
Renal cell carcinoma. Identifiers: Orphanet 217071, MedGen C0007134, MeSH D002292, MONDO:0005086, HP:0005584.
Hereditary cancer-predisposing syndrome. Also called: Neoplastic Syndromes, Hereditary; Hereditary Cancer Syndrome; Hereditary neoplastic syndrome; Tumor predisposition. Identifiers: Orphanet 140162, MedGen C0027672, MeSH D009386, MONDO:0015356.

Allele frequency attached by ClinVar (database versions not stated): gnomAD exomes below 0.00001.
gnomAD v4.1: 3 of 1,614,008 alleles (0.00019%); highest among the groups gnomAD compares: Non-Finnish European, 0.00025%; no homozygotes.

Submissions (2):

Labcorp Genetics (formerly Invitae), Labcorp
Classification: Uncertain significance for Renal cell carcinoma. Last evaluated: 2025-07-07. Review status: criteria provided, single submitter. Criteria: Invitae Variant Classification Sherloc (09022015). Collection method: clinical testing. Allele origin: germline.
Comment: This sequence change replaces leucine, which is neutral and non-polar, with phenylalanine, which is neutral and non-polar, at codon 851 of the MET protein (p.Leu851Phe). This variant is not present in population databases (gnomAD no frequency). This variant has not been reported in the literature in individuals affected with MET-related conditions. ClinVar contains an entry for this variant (Variation ID: 2046436). An algorithm developed to predict the effect of missense changes on protein structure and function (PolyPhen-2) suggests that this variant is likely to be disruptive. In summary, the available evidence is currently insufficient to determine the role of this variant in disease. Therefore, it has been classified as a Variant of Uncertain Significance.

Ambry Genetics
Classification: Uncertain significance for Hereditary cancer-predisposing syndrome. Last evaluated: 2024-03-14. Review status: criteria provided, single submitter. Criteria: Ambry Variant Classification Scheme 2023. Collection method: clinical testing. Allele origin: germline.
Comment: The p.L851F variant (also known as c.2551C>T), located in coding exon 10 of the MET gene, results from a C to T substitution at nucleotide position 2551. The leucine at codon 851 is replaced by phenylalanine, an amino acid with highly similar properties. This amino acid position is conserved. In addition, this alteration is predicted to be tolerated by in silico analysis. Based on the available evidence, the clinical significance of this alteration remains unclear.

NM_000245.4(MET):c.2497C>T (p.Leu833Phe)

Gene: MET (MET proto-oncogene, receptor tyrosine kinase; plus strand). Cytogenetic location: 7q31.2.
Variant type: single nucleotide variant.
Coding change: c.2497C>T on transcript NM_000245.4 (MANE Select); coding-DNA position 2497, C replaced by T.
Protein change: p.Leu833Phe; replaces leucine 833 with phenylalanine.
Molecular consequence: missense variant.
Genome position (GRCh38, 1-based): chr7:116,763,182, C>T. VCF-style: chr7-116763182-C-T. GRCh37 (hg19) VCF-style: chr7-116403236-C-T.
Other names: c.2551C>T, p.Leu851Phe (NM_001127500.3); c.2497C>T, p.Leu833Phe (NM_001324401.3); c.1207C>T, p.Leu403Phe (NM_001324402.2); short protein forms L403F, L833F, L851F.
Identifiers: ClinVar variation 2046436 (VCV002046436.5), dbSNP rs2116956146, ClinGen allele CA368983427.
Genomic context (GRCh38, chr7:116,763,182, plus strand): 5'-CTCCCCCTGAAAACCAAAGCCTTTTTCATGTTAGATGGGATCCTTTCCAAATACTTTGAT[C>T]TCATTTATGTACATAATCCTGTGTTTAAGCCTTTTGAAAAGCCAGTGATGATCTCAATGG-3'
Protein context (NP_000236.2, residues 823-843): LDGILSKYFD[Leu833Phe]IYVHNPVFKP